The following is an entry in ClinVar:

NM_001081.4(CUBN):c.10126A>T (p.Lys3376Ter)

Gene: CUBN (cubilin; minus strand). Cytogenetic location: 10p13.
Variant type: single nucleotide variant.
Coding change: c.10126A>T on transcript NM_001081.4 (MANE Select); coding-DNA position 10126, A replaced by T.
Protein change: p.Lys3376Ter; replaces lysine 3376 with a stop codon.
Molecular consequence: nonsense.
Genome position (GRCh38, 1-based): chr10:16,836,289, T>A on the plus strand (A>T on the coding strand, the complement: CUBN is on the minus strand). VCF-style: chr10-16836289-T-A. GRCh37 (hg19) VCF-style: chr10-16878288-T-A.
Other names: short protein forms K3376*.
Identifiers: ClinVar variation 5007694 (VCV005007694.2).

ClinVar aggregate classification (germline): Likely pathogenic (1 of 4 stars; one submission).

Conditions:
Proteinuria, chronic benign. Identifiers: MedGen C5394384, MONDO:0030042, OMIM 618884.
Imerslund-Grasbeck syndrome type 1 (IGS1). Also called: Megaloblastic anemia 1, Finnish type; Imerslund-Gräsbeck syndrome 1; MEGALOBLASTIC ANEMIA, 1. Identifiers: MedGen C4016819, MONDO:0100156, OMIM 261100.

Submission:

Juno Genomics, Hangzhou Juno Genomics, Inc
Classification: Likely pathogenic for Proteinuria, chronic benign; Imerslund-Grasbeck syndrome type 1. Review status: criteria provided, single submitter. Criteria: ACMG Guidelines, 2015. Collection method: clinical testing. Allele origin: germline.
Comment: Null variant in a gene where loss of function (LOF) is a known mechanism of disease.;Absent from controls (or at extremely low frequency if recessive) in Genome Aggregation Database.